The following is an entry in ClinVar:

ClinVar aggregate classification (germline): Benign. Review status: criteria provided, multiple submitters, no conflicts (2 of 4 stars). 3 submissions from 3 submitters: Benign (3). Last evaluated 2018-07-07.

Conditions:
Combined immunodeficiency due to ZAP70 deficiency (IMD48). Also called: ZAP70 Deficiency; Immunodeficiency 48. Identifiers: Orphanet 911, MedGen C2931299, MONDO:0010023, OMIM 269840.

Allele frequency attached by ClinVar (database versions not stated): gnomAD exomes 0.11565; gnomAD 0.14427 and 0.14144; 1000 Genomes Project 0.14876; 1000 Genomes Project 30x 0.15365; TOPMed 0.15311.

Submissions (3):

GeneDx
Classification: Benign. Last evaluated: 2018-07-07. Review status: criteria provided, single submitter. Criteria: GeneDx Variant Classification Process June 2021. Collection method: clinical testing. Allele origin: germline. Affected: yes.

Illumina Laboratory Services, Illumina
Classification: Benign for Combined immunodeficiency due to ZAP70 deficiency. Last evaluated: 2018-01-13. Review status: criteria provided, single submitter. Criteria: ICSL Variant Classification Criteria 13 December 2019. Collection method: clinical testing. Allele origin: germline.
Comment: This variant was observed in the ICSL laboratory as part of a predisposition screen in an ostensibly healthy population. It had not been previously curated by ICSL or reported in the Human Gene Mutation Database (HGMD: prior to June 1st, 2018), and was therefore a candidate for classification through an automated scoring system. Utilizing variant allele frequency, disease prevalence and penetrance estimates, and inheritance mode, an automated score was calculated to assess if this variant is too frequent to cause the disease. Based on the score and internal cut-off values, a variant classified as benign is not then subjected to further curation. The score for this variant resulted in a classification of benign for this disease.

Breakthrough Genomics
Classification: Benign. Review status: criteria provided, single submitter. Criteria: ACMG Guidelines, 2015. Collection method: not provided. Allele origin: germline. Inheritance: Autosomal recessive inheritance. Affected: yes.

NM_001079.4(ZAP70):c.*289G>C

Gene: ZAP70 (zeta chain of T cell receptor associated protein kinase 70; plus strand). Cytogenetic location: 2q11.2.
Variant type: single nucleotide variant.
Coding change: c.*289G>C on transcript NM_001079.4 (MANE Select); 289 bases downstream of the stop codon, G replaced by C.
Molecular consequence: 3 prime UTR variant.
Genome position (GRCh38, 1-based): chr2:97,739,787, G>C. VCF-style: chr2-97739787-G-C. GRCh37 (hg19) VCF-style: chr2-98356250-G-C.
Other names: c.*289G>C (NM_001378594.1, NM_207519.2).
Identifiers: ClinVar variation 337642 (VCV000337642.9), dbSNP rs2278699, ClinGen allele CA10616502.